The following is an entry in ClinVar:

ClinVar aggregate classification (germline): Likely pathogenic. Review status: reviewed by expert panel (3 of 4 stars). 2 submissions from 2 submitters: Likely pathogenic (1). 1 of the submissions does not count toward it. Last evaluated 2026-10-02.

Conditions:
Hereditary thrombocytopenia and hematological cancer predisposition syndrome associated with RUNX1. Also called: Familial Platelet Disorder with Propensity to Acute Myelogenous Leukemia; Familial thrombocytopenia with propensity to acute myelogenous leukemia; PLATELET DISORDER, ASPIRIN-LIKE; RUNX1 Familial Platelet Disorder with Associated Myeloid Malignancies. Identifiers: Orphanet 71290, MedGen C1832388, MeSH C563324, MONDO:0100083, OMIM 601399.
Hereditary thrombocytopenia and hematologic cancer predisposition syndrome. Identifiers: Orphanet 71290, MedGen CN281654, MONDO:0011071.

Submissions (2):

ClinGen Myeloid Malignancy Variant Curation Expert Panel
Classification: Likely pathogenic for Hereditary thrombocytopenia and hematologic cancer predisposition syndrome. Last evaluated: 2026-10-02. Review status: reviewed by expert panel. Criteria: ClinGen MyeloMalig ACMG Specifications V3.1. Collection method: curation. Allele origin: germline. Inheritance: Autosomal dominant inheritance.
Comment: NM_001754.5(RUNX1):c.401C>T (p.Ala134Val) is a missense variant which affects one of the hotspot residues (Ala134) within the RHD (amino acids 89-204; PM1_Strong). This variant has a REVEL score ≥ 0.88 (0.95) (PP3) and is completely absent from all population databases with at least 20x coverage for RUNX1 (PM2_Supporting). In summary, this variant meets criteria to be classified as likely pathogenic. ACMG/AMP criteria applied, as specified by the Myeloid Malignancy Variant Curation Expert Panel for RUNX1: PM1_Strong, PP3, PM2_Supporting.

Labcorp Genetics (formerly Invitae), Labcorp
Classification: Uncertain significance for Hereditary thrombocytopenia and hematological cancer predisposition syndrome associated with RUNX1. Last evaluated: 2022-10-17. Review status: criteria provided, single submitter. Criteria: Invitae Variant Classification Sherloc (09022015). Collection method: clinical testing. Allele origin: germline. Not counted in ClinVar's aggregate classification.
Comment: In summary, the available evidence is currently insufficient to determine the role of this variant in disease. Therefore, it has been classified as a Variant of Uncertain Significance. Advanced modeling of protein sequence and biophysical properties (such as structural, functional, and spatial information, amino acid conservation, physicochemical variation, residue mobility, and thermodynamic stability) performed at Invitae indicates that this missense variant is expected to disrupt RUNX1 protein function. ClinVar contains an entry for this variant (Variation ID: 1484777). This variant has not been reported in the literature in individuals affected with RUNX1-related conditions. This variant is not present in population databases (gnomAD no frequency). This sequence change replaces alanine, which is neutral and non-polar, with valine, which is neutral and non-polar, at codon 134 of the RUNX1 protein (p.Ala134Val).

NM_001754.5(RUNX1):c.401C>T (p.Ala134Val)

Genes: RUNX1-AS1 (RUNX1 antisense RNA 1; plus strand), RUNX1 (RUNX family transcription factor 1; minus strand). Cytogenetic location: 21q22.12.
Variant type: single nucleotide variant.
Coding change: c.401C>T on transcript NM_001754.5 (MANE Select); coding-DNA position 401, C replaced by T.
Protein change: p.Ala134Val; replaces alanine 134 with valine.
Molecular consequence: missense variant.
Genome position (GRCh38, 1-based): chr21:34,880,664, G>A on the plus strand (C>T on the coding strand, the complement: RUNX1 is on the minus strand). VCF-style: chr21-34880664-G-A. GRCh37 (hg19) VCF-style: chr21-36252961-G-A.
Other names: NM_001754.5(RUNX1):c.401C>T; p.Ala134Val; c.320C>T, p.Ala107Val (NM_001001890.3, NM_001122607.2); short protein forms A134V, A107V.
Identifiers: ClinVar variation 1484777 (VCV001484777.10), dbSNP rs2146362916, ClinGen allele CA410202690.